The following is an entry in ClinVar:

ClinVar aggregate classification (germline): Likely benign (1 of 4 stars; one submission).

Submission:

CeGaT Center for Human Genetics Tuebingen
Classification: Likely benign. Last evaluated: 2025-11-01. Review status: criteria provided, single submitter. Criteria: CeGaT Center For Human Genetics Tuebingen Variant Classification Criteria Version 2. Collection method: clinical testing. Allele origin: germline. Affected: yes. Observed: 1 variant allele.
Comment: SRRM2: BP4, BP7

NM_016333.4(SRRM2):c.4293A>G (p.Leu1431=)

Gene: SRRM2 (serine/arginine repetitive matrix 2; plus strand). Cytogenetic location: 16p13.3.
Variant type: single nucleotide variant.
Coding change: c.4293A>G on transcript NM_016333.4 (MANE Select); coding-DNA position 4293, A replaced by G.
Protein change: p.Leu1431=; no amino-acid change (leucine 1431 retained).
Molecular consequence: synonymous variant.
Genome position (GRCh38, 1-based): chr16:2,764,821, A>G. VCF-style: chr16-2764821-A-G. GRCh37 (hg19) VCF-style: chr16-2814822-A-G.
Identifiers: ClinVar variation 4534378 (VCV004534378.6).